The following is an entry in ClinVar:

ClinVar aggregate classification (germline): Uncertain significance. Review status: criteria provided, multiple submitters, no conflicts (2 of 4 stars). 2 submissions from 2 submitters: Uncertain significance (2). Last evaluated 2024-01-22.

Conditions:
Glycogen storage disease due to phosphoglycerate kinase 1 deficiency. Also called: PHOSPHOGLYCERATE KINASE 1 DEFICIENCY WITH LEVO-DOPA-RESPONSIVE PARKINSONISM; PGK1 DEFICIENCY. Identifiers: Orphanet 713, MedGen C1970848, MONDO:0010392, OMIM 300653.

Allele frequency attached by ClinVar (database versions not stated): gnomAD exomes below 0.00001; TOPMed 0.00002.
gnomAD v4.1: 3 of 1,197,988 alleles (0.00025%); highest among the groups gnomAD compares: Non-Finnish European, 0.00034%; no homozygotes.

Submissions (2):

Fulgent Genetics
Classification: Uncertain significance for Glycogen storage disease due to phosphoglycerate kinase 1 deficiency. Last evaluated: 2024-01-22. Review status: criteria provided, single submitter. Criteria: ACMG Guidelines, 2015. Collection method: clinical testing. Allele origin: germline.

Labcorp Genetics (formerly Invitae), Labcorp
Classification: Uncertain significance. Last evaluated: 2023-11-25. Review status: criteria provided, single submitter. Criteria: Invitae Variant Classification Sherloc (09022015). Collection method: clinical testing. Allele origin: germline.
Comment: This sequence change replaces valine, which is neutral and non-polar, with isoleucine, which is neutral and non-polar, at codon 27 of the PGK1 protein (p.Val27Ile). This variant is not present in population databases (gnomAD no frequency). This variant has not been reported in the literature in individuals affected with PGK1-related conditions. Advanced modeling of protein sequence and biophysical properties (such as structural, functional, and spatial information, amino acid conservation, physicochemical variation, residue mobility, and thermodynamic stability) has been performed at Invitae for this missense variant, however the output from this modeling did not meet the statistical confidence thresholds required to predict the impact of this variant on PGK1 protein function. In summary, the available evidence is currently insufficient to determine the role of this variant in disease. Therefore, it has been classified as a Variant of Uncertain Significance.

NM_000291.4(PGK1):c.79G>A (p.Val27Ile)

Gene: PGK1 (phosphoglycerate kinase 1; plus strand). Cytogenetic location: Xq21.1.
Variant type: single nucleotide variant.
Coding change: c.79G>A on transcript NM_000291.4 (MANE Select); coding-DNA position 79, G replaced by A.
Protein change: p.Val27Ile; replaces valine 27 with isoleucine.
Molecular consequence: missense variant.
Genome position (GRCh38, 1-based): chrX:78,109,880, G>A. VCF-style: chrX-78109880-G-A. GRCh37 (hg19) VCF-style: chrX-77365377-G-A.
Other names: short protein forms V27I.
Identifiers: ClinVar variation 2802016 (VCV002802016.4), dbSNP rs2078291613, ClinGen allele CA413717586.